The following is an entry in ClinVar:

ClinVar aggregate classification (germline): Uncertain significance (1 of 4 stars; one submission).

Conditions:
Leukocyte adhesion deficiency 3. Also called: INTEGRIN ACTIVATION DEFICIENCY DISEASE; LEUKOCYTE ADHESION DEFICIENCY 1 VARIANT; Leukocyte adhesion deficiency, type III. Identifiers: Orphanet 2968, Orphanet 99844, MedGen C2748536, MONDO:0013016, OMIM 612840.

Allele frequency attached by ClinVar (database versions not stated): TOPMed below 0.00001.
gnomAD v4.1: 8 of 1,609,392 alleles (0.0005%); highest among the groups gnomAD compares: Non-Finnish European, 0.00068%; no homozygotes.

Submission:

Labcorp Genetics (formerly Invitae), Labcorp
Classification: Uncertain significance for Leukocyte adhesion deficiency 3. Last evaluated: 2022-08-23. Review status: criteria provided, single submitter. Criteria: Invitae Variant Classification Sherloc (09022015). Collection method: clinical testing. Allele origin: germline.
Comment: This sequence change replaces glutamic acid, which is acidic and polar, with aspartic acid, which is acidic and polar, at codon 283 of the FERMT3 protein (p.Glu283Asp). This variant is not present in population databases (gnomAD no frequency). This variant has not been reported in the literature in individuals affected with FERMT3-related conditions. ClinVar contains an entry for this variant (Variation ID: 567337). Algorithms developed to predict the effect of missense changes on protein structure and function are either unavailable or do not agree on the potential impact of this missense change (SIFT: "Deleterious"; PolyPhen-2: "Probably Damaging"; Align-GVGD: "Class C0"). In summary, the available evidence is currently insufficient to determine the role of this variant in disease. Therefore, it has been classified as a Variant of Uncertain Significance.

NM_031471.6(FERMT3):c.849G>T (p.Glu283Asp)

Gene: FERMT3 (FERM domain containing kindlin 3; plus strand). Cytogenetic location: 11q13.1.
Variant type: single nucleotide variant.
Coding change: c.849G>T on transcript NM_031471.6 (MANE Select); coding-DNA position 849, G replaced by T.
Protein change: p.Glu283Asp; replaces glutamic acid 283 with aspartic acid.
Molecular consequence: missense variant.
Genome position (GRCh38, 1-based): chr11:64,219,313, G>T. VCF-style: chr11-64219313-G-T. GRCh37 (hg19) VCF-style: chr11-63986785-G-T.
Other names: c.849G>T, p.Glu283Asp (NM_001382361.1, NM_001382362.1, NM_001382448.1 and 1 more transcripts); c.309G>T, p.Glu103Asp (NM_001382363.1, NM_001382364.1); short protein forms E283D, E103D.
Identifiers: ClinVar variation 567337 (VCV000567337.5), dbSNP rs568602034, ClinGen allele CA223844203.
Genomic context (GRCh38, chr11:64,219,313, plus strand): 5'-AGACCCCGTGCGGCTGACACAGCTGTATGAGCAGGCCCGGTGGGACCTGCTGCTGGAGGA[G>T]ATTGACTGCACCGAGGAGGAGATGATGGTGTTTGCCGCCCTGCAGGTACCAGGCGGGCCT-3'
Protein context (NP_113659.3, residues 273-293): EQARWDLLLE[Glu283Asp]IDCTEEEMMV